The following is an entry in ClinVar:

ClinVar aggregate classification (germline): Uncertain significance (1 of 4 stars; one submission).

Submission:

Labcorp Genetics (formerly Invitae), Labcorp
Classification: Uncertain significance. Last evaluated: 2025-11-23. Review status: criteria provided, single submitter. Criteria: Invitae Variant Classification Sherloc (09022015). Collection method: clinical testing. Allele origin: germline.
Comment: This sequence change replaces arginine, which is basic and polar, with glycine, which is neutral and non-polar, at codon 308 of the TLR7 protein (p.Arg308Gly). This variant is not present in population databases (gnomAD no frequency). This variant has not been reported in the literature in individuals affected with TLR7-related conditions. An algorithm developed to predict the effect of missense changes on protein structure and function (PolyPhen-2) suggests that this variant is likely to be tolerated. In summary, the available evidence is currently insufficient to determine the role of this variant in disease. Therefore, it has been classified as a Variant of Uncertain Significance.

NM_016562.4(TLR7):c.922A>G (p.Arg308Gly)

Gene: TLR7 (toll like receptor 7; plus strand). Cytogenetic location: Xp22.2.
Variant type: single nucleotide variant.
Coding change: c.922A>G on transcript NM_016562.4 (MANE Select); coding-DNA position 922, A replaced by G.
Protein change: p.Arg308Gly; replaces arginine 308 with glycine.
Molecular consequence: missense variant.
Genome position (GRCh38, 1-based): chrX:12,886,430, A>G. VCF-style: chrX-12886430-A-G. GRCh37 (hg19) VCF-style: chrX-12904549-A-G.
Other names: short protein forms R308G.
Identifiers: ClinVar variation 4731794 (VCV004731794.1).
Genomic context (GRCh38, chrX:12,886,430, plus strand): 5'-GCGCTGACAGAATTAAAAGTTTTACGTCTACACAGTAACTCTCTTCAGCATGTGCCCCCA[A>G]GATGGTTTAAGAACATCAACAAACTCCAGGAACTGGATCTGTCCCAAAACTTCTTGGCCA-3'
Protein context (NP_057646.1, residues 298-318): HSNSLQHVPP[Arg308Gly]WFKNINKLQE